The following is an entry in ClinVar:

ClinVar aggregate classification (germline): Benign. Review status: criteria provided, multiple submitters, no conflicts (2 of 4 stars). 5 submissions from 5 submitters: Benign (4). 1 of the submissions does not count toward it. Last evaluated 2021-07-30.

Conditions:
D-2-hydroxyglutaric aciduria 1 (D2HGA1). Identifiers: Orphanet 79315, MedGen C3152055, MONDO:0024554, OMIM 600721.

Allele frequency attached by ClinVar (database versions not stated): gnomAD exomes 0.64203 and 0.68606; ExAC 0.68432; ESP Exome Variant Server 0.72671; gnomAD 0.74006 and 0.74780; 1000 Genomes Project 0.74241; 1000 Genomes Project 30x 0.75047; TOPMed 0.75258.
gnomAD v4.1: 1,042,374 of 1,597,970 alleles (65%); highest among the groups gnomAD compares: African/African-American, 93%; 345,378 homozygotes.

Submissions (5):

Genome-Nilou Lab
Classification: Benign for D-2-hydroxyglutaric aciduria 1. Last evaluated: 2021-07-30. Review status: criteria provided, single submitter. Criteria: ACMG Guidelines, 2015. Collection method: clinical testing. Allele origin: germline. Affected: no.

GeneDx
Classification: Benign. Last evaluated: 2021-05-11. Review status: criteria provided, single submitter. Criteria: GeneDx Variant Classification Process June 2021. Collection method: clinical testing. Allele origin: germline. Affected: yes.

Mayo Clinic Laboratories, Mayo Clinic
Classification: Benign. Last evaluated: 2021-02-24. Review status: criteria provided, single submitter. Criteria: ACMG Guidelines, 2015. Collection method: clinical testing. Allele origin: germline. Observed: 8 variant alleles.

Breakthrough Genomics
Classification: Benign. Review status: criteria provided, single submitter. Criteria: ACMG Guidelines, 2015. Collection method: not provided. Allele origin: germline. Inheritance: Autosomal recessive inheritance. Affected: yes.

Genetic Services Laboratory, University of Chicago
Classification: Likely benign. Review status: no assertion criteria provided. Collection method: clinical testing. Allele origin: germline. Inheritance: Autosomal recessive inheritance. Not counted in ClinVar's aggregate classification.
Comment: Likely benign based on allele frequency in 1000 Genomes Project or ESP global frequency and its presence in a patient with a rare or unrelated disease phenotype. NOT Sanger confirmed

NM_152783.5(D2HGDH):c.292+28T>G

Genes: D2HGDH (D-2-hydroxyglutarate dehydrogenase; plus strand), LOC129936033 (ATAC-STARR-seq lymphoblastoid active region 17430; plus strand). Cytogenetic location: 2q37.3.
Variant type: single nucleotide variant.
Coding change: c.292+28T>G on transcript NM_152783.5 (MANE Select); 28 bases into the intron after coding-DNA position 292, T replaced by G.
Molecular consequence: intron variant.
Genome position (GRCh38, 1-based): chr2:241,735,544, T>G. VCF-style: chr2-241735544-T-G. GRCh37 (hg19) VCF-style: chr2-242674959-T-G.
Other names: p.?; c.-253+28T>G (NM_001352824.2); c.-111+849T>G (NM_001287249.2).
Identifiers: ClinVar variation 158415 (VCV000158415.14), dbSNP rs62191977, ClinGen allele CA171833.